The following is an entry in ClinVar:

ClinVar aggregate classification (germline): Uncertain significance. Review status: criteria provided, multiple submitters, no conflicts (2 of 4 stars). 3 submissions from 3 submitters: Uncertain significance (3). Last evaluated 2025-05-24.

Conditions:
DMXL2-related disorder. Also called: DMXL2-related condition.
Inborn genetic diseases. Identifiers: MedGen C0950123, MeSH D030342.

Allele frequency attached by ClinVar (database versions not stated): gnomAD exomes 0.00001; ExAC 0.00003; ESP Exome Variant Server 0.00008; TOPMed 0.00011; gnomAD 0.00013; 1000 Genomes Project 0.00040; 1000 Genomes Project 30x 0.00047.
gnomAD v4.1: 35 of 1,613,562 alleles (0.0022%); highest among the groups gnomAD compares: African/African-American, 0.044%; no homozygotes.

Submissions (3):

PreventionGenetics, part of Exact Sciences
Classification: Uncertain significance for DMXL2-related condition. Last evaluated: 2025-05-24. Review status: criteria provided, single submitter. Criteria: ACMG Guidelines, 2015. Collection method: clinical testing. Allele origin: germline.
Comment: The DMXL2 c.5590A>G variant is predicted to result in the amino acid substitution p.Thr1864Ala. To our knowledge, this variant has not been reported in the literature. This variant is reported in 0.045% of alleles in individuals of African descent in gnomAD. At this time, the clinical significance of this variant is uncertain due to the absence of conclusive functional and genetic evidence.

Ambry Genetics
Classification: Uncertain significance for Inborn genetic diseases. Last evaluated: 2024-11-15. Review status: criteria provided, single submitter. Criteria: Ambry Variant Classification Scheme 2023. Collection method: clinical testing. Allele origin: germline.

Labcorp Genetics (formerly Invitae), Labcorp
Classification: Uncertain significance. Last evaluated: 2022-07-03. Review status: criteria provided, single submitter. Criteria: Invitae Variant Classification Sherloc (09022015). Collection method: clinical testing. Allele origin: germline.
Comment: This sequence change replaces threonine, which is neutral and polar, with alanine, which is neutral and non-polar, at codon 1864 of the DMXL2 protein (p.Thr1864Ala). This variant is present in population databases (rs372005947, gnomAD 0.04%). This variant has not been reported in the literature in individuals affected with DMXL2-related conditions. Algorithms developed to predict the effect of missense changes on protein structure and function (SIFT, PolyPhen-2, Align-GVGD) all suggest that this variant is likely to be tolerated. In summary, the available evidence is currently insufficient to determine the role of this variant in disease. Therefore, it has been classified as a Variant of Uncertain Significance.

NM_001378457.1(DMXL2):c.5590A>G (p.Thr1864Ala)

Gene: DMXL2 (Dmx like 2; minus strand). Cytogenetic location: 15q21.2.
Variant type: single nucleotide variant.
Coding change: c.5590A>G on transcript NM_001378457.1 (MANE Select); coding-DNA position 5590, A replaced by G.
Protein change: p.Thr1864Ala; replaces threonine 1864 with alanine.
Molecular consequence: missense variant. On other transcripts: non-coding transcript variant (2).
Genome position (GRCh38, 1-based): chr15:51,481,516, T>C on the plus strand (A>G on the coding strand, the complement: DMXL2 is on the minus strand). VCF-style: chr15-51481516-T-C. GRCh37 (hg19) VCF-style: chr15-51773713-T-C.
Other names: c.5590A>G (NM_001174116.1); c.5590A>G, p.Thr1864Ala (NM_001174116.3, NM_001378458.1, NM_001378459.1 and 4 more transcripts); c.3682A>G, p.Thr1228Ala (NM_001174117.3); c.3571A>G, p.Thr1191Ala (NM_001378460.1); c.5350A>G, p.Thr1784Ala (NM_001378464.1); short protein forms T1228A, T1864A, T1191A, T1784A.
Identifiers: ClinVar variation 2193137 (VCV002193137.3), dbSNP rs372005947, ClinGen allele CA7561771.
Genomic context (GRCh38, chr15:51,481,516, plus strand): 5'-ATTTTCTTTCTATGAGGTTAATTTTATCAACAAAGTTCTTCTCAGTTTTGAGACCTAAGG[T>C]TGCCAAAGTTCCTTCAGGGGAGGCAAGATTTCTTCGAATGAGCAAAGGATGAGTTCGAAG-3'
Protein context (NP_001365386.1, residues 1854-1874): NLASPEGTLA[Thr1864Ala]LGLKTEKNFV